The following is an entry in ClinVar:

NM_001004439.2(ITGA11):c.2462C>T (p.Thr821Met)

Gene: ITGA11 (integrin subunit alpha 11; minus strand). Cytogenetic location: 15q23.
Variant type: single nucleotide variant.
Coding change: c.2462C>T on transcript NM_001004439.2 (MANE Select); coding-DNA position 2462, C replaced by T.
Protein change: p.Thr821Met; replaces threonine 821 with methionine.
Molecular consequence: missense variant.
Genome position (GRCh38, 1-based): chr15:68,320,339, G>A on the plus strand (C>T on the coding strand, the complement: ITGA11 is on the minus strand). VCF-style: chr15-68320339-G-A. GRCh37 (hg19) VCF-style: chr15-68612677-G-A.
Other names: short protein forms T821M.
Identifiers: ClinVar variation 225023 (VCV000225023.3), dbSNP rs61729760, ClinGen allele CA358234.

ClinVar aggregate classification (germline): Uncertain significance (1 of 4 stars; one submission).

Conditions:
Inborn genetic diseases. Identifiers: MedGen C0950123, MeSH D030342.

Allele frequency attached by ClinVar (database versions not stated): 1000 Genomes Project 30x 0.00016; 1000 Genomes Project 0.00020; ESP Exome Variant Server 0.00039; TOPMed 0.00039; gnomAD 0.00049; gnomAD exomes 0.00055 and 0.00066; ExAC 0.00065.
gnomAD v4.1: 1,026 of 1,612,378 alleles (0.064%); highest among the groups gnomAD compares: South Asian, 0.13%; 1 homozygote.

Submission:

Ambry Genetics
Classification: Uncertain significance for Inborn genetic diseases. Last evaluated: 2013-08-28. Review status: criteria provided, single submitter. Criteria: Ambry Autosomal Dominant and X-Linked criteria (10/2015). Collection method: clinical testing. Allele origin: germline. Observed: 1 variant allele.
Comment: There is insufficient or conflicting evidence for classification of this alteration.